The following is an entry in ClinVar:

ClinVar aggregate classification (germline): Uncertain significance. Review status: criteria provided, multiple submitters, no conflicts (2 of 4 stars). 3 submissions from 3 submitters: Uncertain significance (3). Last evaluated 2026-06-02.

Allele frequency attached by ClinVar (database versions not stated): ExAC 0.00001; gnomAD 0.00002; gnomAD exomes 0.00002; TOPMed 0.00003; ESP Exome Variant Server 0.00008.
gnomAD v4.1: 32 of 1,603,898 alleles (0.002%); highest among the groups gnomAD compares: Non-Finnish European, 0.0025%; no homozygotes.

Submissions (3):

Greenwood Genetic Center Diagnostic Laboratories, Greenwood Genetic Center
Classification: Uncertain significance. Last evaluated: 2026-06-02. Review status: criteria provided, single submitter. Criteria: ACMG Guidelines, 2015. Collection method: clinical testing. Allele origin: germline.
Comment: PM2

GeneDx
Classification: Uncertain significance. Last evaluated: 2026-02-14. Review status: criteria provided, single submitter. Criteria: GeneDx Variant Classification Process June 2021. Collection method: clinical testing. Allele origin: germline.
Comment: Not observed at significant frequency in large population cohorts (gnomAD); Has not been previously published as pathogenic or benign to our knowledge; In silico analysis is inconclusive as to whether the variant alters gene splicing. In the absence of RNA/functional studies, the actual effect of this sequence change is unknown.

Labcorp Genetics (formerly Invitae), Labcorp
Classification: Uncertain significance. Last evaluated: 2022-06-07. Review status: criteria provided, single submitter. Criteria: Invitae Variant Classification Sherloc (09022015). Collection method: clinical testing. Allele origin: germline.
Comment: This sequence change falls in intron 26 of the FRAS1 gene. It does not directly change the encoded amino acid sequence of the FRAS1 protein. The frequency data for this variant in the population databases is considered unreliable, as metrics indicate poor data quality at this position in the gnomAD database. This variant has not been reported in the literature in individuals affected with FRAS1-related conditions. Algorithms developed to predict the effect of sequence changes on RNA splicing suggest that this variant may disrupt the consensus splice site. In summary, the available evidence is currently insufficient to determine the role of this variant in disease. Therefore, it has been classified as a Variant of Uncertain Significance.

NM_025074.7(FRAS1):c.3293-10T>C

Gene: FRAS1 (Fraser extracellular matrix complex subunit 1; plus strand). Cytogenetic location: 4q21.21.
Variant type: single nucleotide variant.
Coding change: c.3293-10T>C on transcript NM_025074.7 (MANE Select); 10 bases into the intron before coding-DNA position 3293, T replaced by C.
Molecular consequence: intron variant.
Genome position (GRCh38, 1-based): chr4:78,379,716, T>C. VCF-style: chr4-78379716-T-C. GRCh37 (hg19) VCF-style: chr4-79300870-T-C.
Other names: c.3293-10T>C (NM_001166133.2).
Identifiers: ClinVar variation 1905014 (VCV001905014.4), dbSNP rs371289018, ClinGen allele CA2976904.